The following is an entry in ClinVar:

NM_000238.4(KCNH2):c.1641G>A (p.Ala547=)

Gene: KCNH2 (potassium voltage-gated channel subfamily H member 2; minus strand). Cytogenetic location: 7q36.1.
Variant type: single nucleotide variant.
Coding change: c.1641G>A on transcript NM_000238.4 (MANE Select); coding-DNA position 1641, G replaced by A.
Protein change: p.Ala547=; no amino-acid change (alanine 547 retained).
Molecular consequence: synonymous variant. On other transcripts: non-coding transcript variant (2).
Genome position (GRCh38, 1-based): chr7:150,951,752, C>T on the plus strand (G>A on the coding strand, the complement: KCNH2 is on the minus strand). VCF-style: chr7-150951752-C-T. GRCh37 (hg19) VCF-style: chr7-150648840-C-T.
Other names: c.621G>A, p.Ala207= (NM_001204798.2, NM_172057.3); c.1353G>A, p.Ala451= (NM_001406753.1, NM_001406756.1); c.1464G>A, p.Ala488= (NM_001406755.1); c.1341G>A, p.Ala447= (NM_001406757.1); c.1641G>A, p.Ala547= (NM_172056.3).
Identifiers: ClinVar variation 237293 (VCV000237293.25), dbSNP rs149902084, ClinGen allele CA029052.
Genomic context (GRCh38, chr7:150,951,752, plus strand): 5'-GATGCAGGCTAGCCAGTGCGCGATGAGCGCAAAGGTGCACATGAGCAAGAACAGCACGGC[C>T]GCGCCGTACTCTGAGTAGCGATCCAGCTTCCGCGCCACGCGCACCAGCCGCAGCAGCCGC-3'
Protein context (NP_000229.1, residues 537-557): RKLDRYSEYG[Ala547=]AVLFLLMCTF

ClinVar aggregate classification (germline): Likely benign. Review status: criteria provided, multiple submitters, no conflicts (2 of 4 stars). 6 submissions from 6 submitters: Likely benign (6). Last evaluated 2025-12-31.

Conditions:
KCNH2-related disorder. Also called: KCNH2-related condition; KCNH2-related disorders.
Cardiovascular phenotype. Identifiers: MedGen CN230736.
Cardiac arrhythmia. Also called: Cardiac rhythm disease; Arrhythmia. Identifiers: MedGen C0003811, MONDO:0007263, HP:0011675.
Long QT syndrome (LQTS). Identifiers: MedGen C0023976, MeSH D008133, MONDO:0002442. Disease mechanism: loss of function. Inheritance: Various modes of inheritance.

Allele frequency attached by ClinVar (database versions not stated): ESP Exome Variant Server 0.00008; gnomAD 0.00011; TOPMed 0.00014.
gnomAD v4.1: 109 of 1,609,366 alleles (0.0068%); highest among the groups gnomAD compares: African/African-American, 0.035%; 1 homozygote.

Submissions (6):

Labcorp Genetics (formerly Invitae), Labcorp
Classification: Likely benign for Long QT syndrome. Last evaluated: 2025-12-31. Review status: criteria provided, single submitter. Criteria: Invitae Variant Classification Sherloc (09022015). Collection method: clinical testing. Allele origin: germline.

PreventionGenetics, part of Exact Sciences
Classification: Likely benign for KCNH2-related condition. Last evaluated: 2025-02-06. Review status: criteria provided, single submitter. Criteria: ACMG Guidelines, 2015. Collection method: clinical testing. Allele origin: germline.
Comment: This variant is classified as likely benign based on ACMG/AMP sequence variant interpretation guidelines (Richards et al. 2015 PMID: 25741868, with internal and published modifications).

All of Us Research Program, National Institutes of Health
Classification: Likely benign for Long QT syndrome. Last evaluated: 2024-01-08. Review status: criteria provided, single submitter. Criteria: ACMG Guidelines, 2015. Collection method: clinical testing. Allele origin: germline. Inheritance: Autosomal dominant inheritance. Observed: 13 variant alleles, 13 heterozygotes.
Comment: This study involves interpretation of variants in research participants for the purpose of population health screening. Participant phenotype was not available at the time of variant classification. Additional details can be found in publication PMID: 35346344, PMCID: PMC8962531

Ambry Genetics
Classification: Likely benign for Cardiovascular phenotype. Last evaluated: 2019-07-09. Review status: criteria provided, single submitter. Criteria: Ambry Variant Classification Scheme 2023. Collection method: clinical testing. Allele origin: germline.

GeneDx
Classification: Likely benign. Last evaluated: 2019-01-14. Review status: criteria provided, single submitter. Criteria: GeneDx Variant Classification Process June 2021. Collection method: clinical testing. Allele origin: germline. Affected: yes.

Color Diagnostics, LLC DBA Color Health
Classification: Likely benign for Arrhythmia. Last evaluated: 2018-08-27. Review status: criteria provided, single submitter. Criteria: ACMG Guidelines, 2015. Collection method: clinical testing. Allele origin: germline.